The following is an entry in ClinVar:

ClinVar aggregate classification (germline): Pathogenic/Likely pathogenic. Review status: criteria provided, multiple submitters, no conflicts (2 of 4 stars). 8 submissions from 8 submitters: Pathogenic (6); Likely pathogenic (1). 1 of the submissions does not count toward it. Last evaluated 2026-09-08.

Conditions:
Thyroid hormone resistance, generalized, autosomal dominant (GRTHD). Also called: HYPERTHYROXINEMIA, FAMILIAL EUTHYROID, SECONDARY TO PITUITARY AND PERIPHERAL RESISTANCE TO THYROID HORMONES. Identifiers: MedGen C2937288, MONDO:0008569, OMIM 188570.
THRB-related disorder. Also called: THRB-related condition.
Resistance to thyroid hormone due to a mutation in thyroid hormone receptor beta. Identifiers: Orphanet 566243, MedGen CN308011, MONDO:0700478, MONDO:0034217.

Allele frequency attached by ClinVar (database versions not stated): gnomAD exomes below 0.00001.
gnomAD v4.1: 3 of 1,614,160 alleles (0.00019%); highest among the groups gnomAD compares: Non-Finnish European, 0.00025%; no homozygotes.

Submissions (8):

PreventionGenetics, part of Exact Sciences
Classification: Pathogenic for THRB-related condition. Last evaluated: 2026-09-08. Review status: criteria provided, single submitter. Criteria: ACMG Guidelines, 2015. Collection method: clinical testing. Allele origin: germline.
Comment: The THRB c.1378G>A variant is predicted to result in the amino acid substitution p.Glu460Lys. This variant has been reported in multiple individuals with thyroid hormone resistance (Adams et al. 1994. PubMed ID: 8040303; Huang et al. 2021. PubMed ID: 33768782; Xie et al. 2022. PubMed ID: 35850606; Vela et al. 2019. PubMed ID: 30707410; Pappa et al. 2017. PubMed ID: 28938413; Mitchell et al. 2010. PubMed ID: 20237409). Functional studies show this variant results in reduced binding affinity compared to wild type (Adams et al. 1994. PubMed ID: 8040303; Ercan-Fang et al. 2000. PubMed ID: 10852467). This variant has not been reported in a large population database (gnomAD), indicating this variant is rare and is consistently interpreted as likely pathogenic/pathogenic in ClinVar (Variation ID: 492926). This variant is interpreted as pathogenic.

GeneDx
Classification: Pathogenic. Last evaluated: 2024-08-08. Review status: criteria provided, single submitter. Criteria: GeneDx Variant Classification Process June 2021. Collection method: clinical testing. Allele origin: germline. Affected: yes.
Comment: Published functional studies demonstrate a reduction on T3 binding affinity (PMID: 8040303); Not observed at significant frequency in large population cohorts (gnomAD); This variant is associated with the following publications: (PMID: 10852467, 28938413, 8040303, 20237409, 30976996, 32635414, 35850606, 30707410, 33768782, 36506769, 37592301)

Women's Health and Genetics/Laboratory Corporation of America, LabCorp
Classification: Pathogenic for Thyroid hormone resistance, generalized, autosomal dominant. Last evaluated: 2023-09-12. Review status: criteria provided, single submitter. Criteria: LabCorp Variant Classification Summary - May 2015. Collection method: clinical testing. Allele origin: germline.
Comment: Variant summary: THRB c.1378G>A (p.Glu460Lys) results in a conservative amino acid change located in the Nuclear hormone receptor, ligand binding domain (IPR000536) of the encoded protein sequence. Three of five in-silico tools predict a benign effect of the variant on protein function. The variant was absent in 251490 control chromosomes (gnomAD). c.1378G>A has been reported in the literature in multiple individuals affected with Thyroid Hormone Resistance (e.g. Adams_1994, Huang_2021, Xie_2022). These data indicate that the variant is very likely to be associated with disease. At least one publication reports experimental evidence evaluating an impact on protein function, finding that the variant results in substantially reduced ligand binding activity of the receptor (Adams_1994). The following publications have been ascertained in the context of this evaluation (PMID: 8040303, 33768782, 35850606). Two submitters have cited clinical-significance assessments for this variant to ClinVar after 2014. Both submitters classified the variant as pathogenic/likely pathogenic. Based on the evidence outlined above, the variant was classified as pathogenic.

Victorian Clinical Genetics Services, Murdoch Childrens Research Institute
Classification: Pathogenic for Thyroid hormone resistance, generalized, autosomal dominant. Last evaluated: 2023-07-17. Review status: criteria provided, single submitter. Criteria: ACMG Guidelines, 2015. Collection method: clinical testing. Allele origin: germline. Inheritance: Autosomal dominant inheritance. Affected: yes.
Comment: Based on the classification scheme VCGS_Germline_v1.3.4, this variant is classified as Pathogenic. Following criteria are met: 0103 - Dominant negative and loss of function are reported mechanisms of disease in this gene and are associated with thyroid hormone resistance. (I) 0108 - This gene is associated with both recessive and dominant disease (OMIM). Autosomal dominant disease is due to the THRB mutant protein exerting a dominant negative effect on the wild type protein while recessive disease has been described in association with a THRB gene deletion where a protein is not produced (PMID: 30976996). (I) 0115 - Variants in this gene are known to have variable expressivity. Clinical variability and heterogeneity are well documented in affected individuals (PMID: 30976996). (I) 0200 - Variant is predicted to result in a missense amino acid change from glutamic acid to lysine. (I) 0251 - This variant is heterozygous. (I) 0301 - Variant is absent from gnomAD (both v2 and v3). (SP) 0502 - Missense variant with conflicting in silico predictions and uninformative conservation. (I) 0602 - Variant is located in a hotspot region or cluster of pathogenic variants (DECIPHER, PMID: 35850606). (SP) 0801 - This variant has very strong previous evidence of pathogenicity in unrelated individuals. It has been regarded as pathogenic (ClinVar, PMID: 30976996) and detected in multiple individuals with elevated thyroid hormones (PMIDs: 33768782, 35850606, 32635414, 8040303, 30707410). (SP) 1002 - This variant has moderate functional evidence supporting abnormal protein function. Site directed mutagenesis followed by ligand-binding assays showed decreased T3-binding affinity compared to wild type (PMID: 8040303). (SP) 1208 - Inheritance information for this variant is not currently available in this individual. (I) Legend: (SP) - Supporting pathogenic, (I) - Information, (SB) - Supporting benign

Molecular Genetics, Royal Melbourne Hospital
Classification: Pathogenic for Resistance to thyroid hormone due to a mutation in thyroid hormone receptor beta. Last evaluated: 2022-04-05. Review status: criteria provided, single submitter. Criteria: ACMG Guidelines, 2015. Collection method: clinical testing. Allele origin: germline. Affected: yes.
Comment: This sequence change in THRB is predicted to replace glutamic acid with lysine at codon 460, p.(Glu460Lys). The glutamic acid residue is highly conserved (100 vertebrates, UCSC), and is located in the nuclear hormone receptor ligand-binding domain. There is a small physicochemical difference between glutamic acid and lysine. This variant is absent from gnomAD v2.1 and v3.1. It has been reported in at least 8 probands diagnosed with resistance to thyroid hormone and segregate with disease in at least 6 families (PMID: 8040303, 10852467, 28938413, 32635414, 33768782). In vitro ligand-binding assays showed impaired T3-binding affinity indicating that this variant impacts protein function (PMID: 8040303, 10852467). Multiple lines of computational evidence have conflicting predictions for the missense substitution (3/6 algorithms predict deleterious). Based on the classification scheme RMH Modified ACMG Guidelines v1.4.0, this variant is classified as PATHOGENIC. Following criteria are met: PS4, PP1_Strong, PS3_Supporting, PM2_Supporting.

Quest Diagnostics Nichols Institute San Juan Capistrano
Classification: Likely pathogenic. Last evaluated: 2020-12-04. Review status: criteria provided, single submitter. Criteria: Quest Diagnostics criteria. Collection method: clinical testing. Allele origin: unknown.
Comment: The variant has been reported in affected individuals with thyroid hormone resistance in the published literature (PMIDs: 8040303 (1994), 20237409 (2010), 28938413 (2017), 30707410 (2019), and 30976996 (2019). A functional study showed lowered affinity for T3 binding by receptors (PMID: 8040303 (1994)). Based on the available information, the variant is predicted to be likely pathogenic.

Clinical Genetics Service, Universitary Hospital 12 de Octubre
Classification: Pathogenic for Thyroid hormone resistance, generalized, autosomal dominant. Review status: criteria provided, single submitter. Criteria: ACMG Guidelines, 2015. Collection method: clinical testing. Allele origin: maternal. Affected: yes.

Clinical Molecular Genetics Laboratory, Johns Hopkins All Children's Hospital
Classification: Pathogenic for Thyroid hormone resistance, generalized, autosomal dominant. Last evaluated: 2012-06-15. Review status: no assertion criteria provided. Collection method: clinical testing. Allele origin: germline. Affected: yes. Not counted in ClinVar's aggregate classification.

Literature cited by the submitters: PubMed 8040303 (cited by 4 submitters); PubMed 33768782 (cited by 3 submitters); PubMed 35850606 (cited by Women's Health and Genetics/Laboratory Corporation of America, LabCorp and Victorian Clinical Genetics Services, Murdoch Childrens Research Institute); PubMed 30707410 (cited by Victorian Clinical Genetics Services, Murdoch Childrens Research Institute and Quest Diagnostics Nichols Institute San Juan Capistrano); PubMed 30976996 (cited by Victorian Clinical Genetics Services, Murdoch Childrens Research Institute and Quest Diagnostics Nichols Institute San Juan Capistrano); PubMed 32635414 (cited by Victorian Clinical Genetics Services, Murdoch Childrens Research Institute and Molecular Genetics, Royal Melbourne Hospital); PubMed 10852467 (cited by Molecular Genetics, Royal Melbourne Hospital); PubMed 28938413 (cited by Molecular Genetics, Royal Melbourne Hospital and Quest Diagnostics Nichols Institute San Juan Capistrano); PubMed 20237409 (cited by Quest Diagnostics Nichols Institute San Juan Capistrano).

NM_001354712.2(THRB):c.1378G>A (p.Glu460Lys)

Gene: THRB (thyroid hormone receptor beta; minus strand). Cytogenetic location: 3p24.2.
Variant type: single nucleotide variant.
Coding change: c.1378G>A on transcript NM_001354712.2 (MANE Select); coding-DNA position 1378, G replaced by A.
Protein change: p.Glu460Lys; replaces glutamic acid 460 with lysine.
Molecular consequence: missense variant.
Genome position (GRCh38, 1-based): chr3:24,122,892, C>T on the plus strand (G>A on the coding strand, the complement: THRB is on the minus strand). VCF-style: chr3-24122892-C-T. GRCh37 (hg19) VCF-style: chr3-24164383-C-T.
Other names: c.1378G>A, p.Glu460Lys (NM_000461.5, NM_001128176.3, NM_001128177.2 and 6 more transcripts); c.1285G>A, p.Glu429Lys (NM_001354714.2, NM_001354715.2); c.1378G>A (NM_001354712.1); short protein forms E460K, E429K.
Identifiers: ClinVar variation 492926 (VCV000492926.8), dbSNP rs1553609090, ClinGen allele CA351886454.
Genomic context (GRCh38, chr3:24,122,892, plus strand): 5'-TGAAATGACACCCAGTAGTGCTGTAGGAATTATGAGAATGAATCCAGTCAGTCTAATCCT[C>T]GAACACTTCCAAGAACAAAGGGGGGAAGAGTTCTGTGGGGCATTCCACCTTCATGTGCAG-3'
Protein context (NP_001341641.1, residues 450-461): LFPPLFLEVF[Glu460Lys]D